The following is an entry in ClinVar:

ClinVar aggregate classification (germline): Benign. Review status: criteria provided, multiple submitters, no conflicts (2 of 4 stars). 7 submissions from 4 submitters: Benign (7). Last evaluated 2025-07-09.

Conditions:
ABCA4-related disorder. Also called: ABCA4-related condition; ABCA4-related disorders. Identifiers: MedGen CN239167.
Age related macular degeneration 2. Also called: MACULOPATHY, AGE-RELATED; MACULAR DEGENERATION, SENILE; MACULOPATHY, AGE-RELATED, 2. Identifiers: MedGen C3495438, MONDO:0007932, OMIM 153800.
Cone-rod dystrophy 3 (CORD3). Identifiers: Orphanet 1872, MedGen C1858806, MONDO:0011395, OMIM 604116.
Retinitis pigmentosa 19 (RP19). Also called: ABCA4-Related Retinitis Pigmentosa. Identifiers: Orphanet 791, MedGen C1866422, MONDO:0011137, OMIM 601718.
Severe early-childhood-onset retinal dystrophy (STGD1). Also called: Stargardt macular dystrophy; Juvenile onset macular degeneration; Stargardt disease 1; MACULAR DYSTROPHY WITH FLECKS, TYPE 1; STGD. Identifiers: Orphanet 364055, Orphanet 827, MedGen C1855465, MeSH D000080362, MONDO:0009549, OMIM 248200.

Allele frequency attached by ClinVar (database versions not stated): 1000 Genomes Project 30x 0.98735; TOPMed 0.98593; 1000 Genomes Project 0.98822.

Submissions (7):

PreventionGenetics, part of Exact Sciences
Classification: Benign for ABCA4-related condition. Last evaluated: 2025-07-09. Review status: criteria provided, single submitter. Criteria: ACMG Guidelines, 2015. Collection method: clinical testing. Allele origin: germline.
Comment: This variant is classified as benign based on ACMG/AMP sequence variant interpretation guidelines (Richards et al. 2015 PMID: 25741868, with internal and published modifications).

Genome-Nilou Lab
Classification: Benign for Severe early-childhood-onset retinal dystrophy. Last evaluated: 2021-07-14. Review status: criteria provided, single submitter. Criteria: ACMG Guidelines, 2015. Collection method: clinical testing. Allele origin: germline. Affected: no.

Genome-Nilou Lab
Classification: Benign for Retinitis pigmentosa 19. Last evaluated: 2021-07-14. Review status: criteria provided, single submitter. Criteria: ACMG Guidelines, 2015. Collection method: clinical testing. Allele origin: germline. Affected: no.

Genome-Nilou Lab
Classification: Benign for Cone-rod dystrophy 3. Last evaluated: 2021-07-14. Review status: criteria provided, single submitter. Criteria: ACMG Guidelines, 2015. Collection method: clinical testing. Allele origin: germline. Affected: no.

Genome-Nilou Lab
Classification: Benign for Age related macular degeneration 2. Last evaluated: 2021-07-14. Review status: criteria provided, single submitter. Criteria: ACMG Guidelines, 2015. Collection method: clinical testing. Allele origin: germline. Affected: no.

GeneDx
Classification: Benign. Last evaluated: 2015-03-03. Review status: criteria provided, single submitter. Criteria: GeneDx Variant Classification Process June 2021. Collection method: clinical testing. Allele origin: germline. Affected: yes.

Breakthrough Genomics
Classification: Benign. Review status: criteria provided, single submitter. Criteria: ACMG Guidelines, 2015. Collection method: not provided. Allele origin: germline. Inheritance: Autosomal recessive inheritance. Affected: yes.

NM_000350.3(ABCA4):c.4352+54A>G

Gene: ABCA4 (ATP binding cassette subfamily A member 4; minus strand). Cytogenetic location: 1p22.1.
Variant type: single nucleotide variant.
Coding change: c.4352+54A>G on transcript NM_000350.3 (MANE Select); 54 bases into the intron after coding-DNA position 4352, A replaced by G.
Molecular consequence: intron variant.
Genome position (GRCh38, 1-based): chr1:94,030,374, T>C on the plus strand (A>G on the coding strand, the complement: ABCA4 is on the minus strand). VCF-style: chr1-94030374-T-C. GRCh37 (hg19) VCF-style: chr1-94495930-T-C.
Other names: c.4352+54A>G (NM_000350.2).
Identifiers: ClinVar variation 1188983 (VCV001188983.7), dbSNP rs547806, ClinGen allele CA10882103.